The following is an entry in ClinVar:

ClinVar aggregate classification (germline): Benign (1 of 4 stars; one submission).

Conditions:
Hereditary spastic paraplegia 6 (SPG6). Also called: SPASTIC PARAPLEGIA 6, AUTOSOMAL DOMINANT. Identifiers: Orphanet 100988, MedGen C1838192, MONDO:0010878, OMIM 600363.

Allele frequency attached by ClinVar (database versions not stated): 1000 Genomes Project 0.00719; gnomAD 0.00724 and 0.00774; 1000 Genomes Project 30x 0.00781; TOPMed 0.00855.

Submission:

Illumina Laboratory Services, Illumina
Classification: Benign for Hereditary spastic paraplegia 6. Last evaluated: 2018-01-13. Review status: criteria provided, single submitter. Criteria: ICSL Variant Classification Criteria 13 December 2019. Collection method: clinical testing. Allele origin: germline.
Comment: This variant was observed in the ICSL laboratory as part of a predisposition screen in an ostensibly healthy population. It had not been previously curated by ICSL or reported in the Human Gene Mutation Database (HGMD: prior to June 1st, 2018), and was therefore a candidate for classification through an automated scoring system. Utilizing variant allele frequency, disease prevalence and penetrance estimates, and inheritance mode, an automated score was calculated to assess if this variant is too frequent to cause the disease. Based on the score and internal cut-off values, a variant classified as benign is not then subjected to further curation. The score for this variant resulted in a classification of benign for this disease.

NM_144599.5(NIPA1):c.*4363C>T

Gene: NIPA1 (NIPA magnesium transporter 1; plus strand). Cytogenetic location: 15q11.2.
Variant type: single nucleotide variant.
Coding change: c.*4363C>T on transcript NM_144599.5 (MANE Select); 4363 bases downstream of the stop codon, C replaced by T.
Molecular consequence: 3 prime UTR variant.
Genome position (GRCh38, 1-based): chr15:22,828,602, C>T. VCF-style: chr15-22828602-C-T. GRCh37 (hg19) VCF-style: chr15-23044466-G-A.
Other names: c.*4363C>T (NM_001142275.1).
Identifiers: ClinVar variation 315349 (VCV000315349.5), dbSNP rs139459875, ClinGen allele CA10641480.